The following is an entry in ClinVar:

NM_001365951.3(KIF1B):c.4592C>T (p.Ser1531Phe)

Gene: KIF1B (kinesin family member 1B; plus strand). Cytogenetic location: 1p36.22.
Variant type: single nucleotide variant.
Coding change: c.4592C>T on transcript NM_001365951.3 (MANE Select); coding-DNA position 4592, C replaced by T.
Protein change: p.Ser1531Phe; replaces serine 1531 with phenylalanine.
Molecular consequence: missense variant.
Genome position (GRCh38, 1-based): chr1:10,365,488, C>T. VCF-style: chr1-10365488-C-T. GRCh37 (hg19) VCF-style: chr1-10425546-C-T.
Other names: c.4592C>T, p.Ser1531Phe (NM_001365952.1); c.4454C>T, p.Ser1485Phe (NM_015074.3); short protein forms S1485F, S1531F.
Identifiers: ClinVar variation 3864057 (VCV003864057.1).

ClinVar aggregate classification (germline): Uncertain significance (1 of 4 stars; one submission).

Submission:

Ambry Genetics
Classification: Uncertain significance. Last evaluated: 2024-12-29. Review status: criteria provided, single submitter. Criteria: Ambry Variant Classification Scheme 2023. Collection method: clinical testing. Allele origin: germline.
Comment: The p.S1485F variant (also known as c.4454C>T), located in coding exon 40 of the KIF1B gene, results from a C to T substitution at nucleotide position 4454. The serine at codon 1485 is replaced by phenylalanine, an amino acid with highly dissimilar properties. This amino acid position is conserved. In addition, the in silico prediction for this alteration is inconclusive. Based on the available evidence, the clinical significance of this variant remains unclear.